The following is an entry in ClinVar:

ClinVar aggregate classification (germline): Uncertain significance. Review status: criteria provided, multiple submitters, no conflicts (2 of 4 stars). 2 submissions from 2 submitters: Uncertain significance (2). Last evaluated 2024-05-10.

Allele frequency attached by ClinVar (database versions not stated): gnomAD exomes below 0.00001; gnomAD 0.00001; TOPMed 0.00002.
gnomAD v4.1: 2 of 1,612,524 alleles (0.00012%); highest among the groups gnomAD compares: Admixed American, 0.0033%; no homozygotes.

Submissions (2):

GeneDx
Classification: Uncertain significance. Last evaluated: 2024-05-10. Review status: criteria provided, single submitter. Criteria: GeneDx Variant Classification Process June 2021. Collection method: clinical testing. Allele origin: germline. Affected: yes.
Comment: Not observed at significant frequency in large population cohorts (gnomAD); In silico analysis supports that this missense variant has a deleterious effect on protein structure/function; Has not been previously published as pathogenic or benign to our knowledge

Labcorp Genetics (formerly Invitae), Labcorp
Classification: Uncertain significance. Last evaluated: 2022-05-07. Review status: criteria provided, single submitter. Criteria: Invitae Variant Classification Sherloc (09022015). Collection method: clinical testing. Allele origin: germline.
Comment: In summary, the available evidence is currently insufficient to determine the role of this variant in disease. Therefore, it has been classified as a Variant of Uncertain Significance. Algorithms developed to predict the effect of missense changes on protein structure and function are either unavailable or do not agree on the potential impact of this missense change (SIFT: "Not Available"; PolyPhen-2: "Probably Damaging"; Align-GVGD: "Not Available"). This variant has not been reported in the literature in individuals affected with CTU2-related conditions. This variant is present in population databases (no rsID available, gnomAD 0.003%). This sequence change replaces cysteine, which is neutral and slightly polar, with serine, which is neutral and polar, at codon 463 of the CTU2 protein (p.Cys463Ser).

NM_001012759.3(CTU2):c.1388G>C (p.Cys463Ser)

Genes: CTU2 (cytosolic thiouridylase subunit 2; plus strand), PIEZO1 (piezo type mechanosensitive ion channel component 1 (Er blood group); minus strand). Cytogenetic location: 16q24.3.
Variant type: single nucleotide variant.
Coding change: c.1388G>C on transcript NM_001012759.3 (MANE Select); coding-DNA position 1388, G replaced by C.
Protein change: p.Cys463Ser; replaces cysteine 463 with serine.
Molecular consequence: missense variant.
Genome position (GRCh38, 1-based): chr16:88,714,895, G>C. VCF-style: chr16-88714895-G-C. GRCh37 (hg19) VCF-style: chr16-88781303-G-C.
Other names: c.1388G>C, p.Cys463Ser (NM_001012762.3); c.1601G>C, p.Cys534Ser (NM_001318507.2); c.1127G>C, p.Cys376Ser (NM_001318513.2); short protein forms C376S, C463S, C534S.
Identifiers: ClinVar variation 1959502 (VCV001959502.6), dbSNP rs1158824565, ClinGen allele CA397067372.